The following is an entry in ClinVar:

NM_207111.4(RNF216):c.1955C>T (p.Ala652Val)

Gene: RNF216 (ring finger protein 216; minus strand). Cytogenetic location: 7p22.1.
Variant type: single nucleotide variant.
Coding change: c.1955C>T on transcript NM_207111.4 (MANE Select); coding-DNA position 1955, C replaced by T.
Protein change: p.Ala652Val; replaces alanine 652 with valine.
Molecular consequence: missense variant.
Genome position (GRCh38, 1-based): chr7:5,712,742, G>A on the plus strand (C>T on the coding strand, the complement: RNF216 is on the minus strand). VCF-style: chr7-5712742-G-A. GRCh37 (hg19) VCF-style: chr7-5752373-G-A.
Other names: c.1784C>T, p.Ala595Val (NM_001377156.1, NM_207116.3); short protein forms A652V, A595V.
Identifiers: ClinVar variation 1390433 (VCV001390433.4), dbSNP rs150881855, ClinGen allele CA4147992.
Genomic context (GRCh38, chr7:5,712,742, plus strand): 5'-TTGGCAGATGGCACGCTCTGCCTGAGAACGAACCTGACAAGCTCGTCGGCGTAGGCTGCC[G>A]CAACCTCCTCCTCGGCTTTTCGCTCATAGTACTTATACAGGATGGTCTGGGGGAGCACCT-3'
Protein context (NP_996994.1, residues 642-662): YYERKAEEEV[Ala652Val]AAYADELVRC

ClinVar aggregate classification (germline): Uncertain significance. Review status: criteria provided, multiple submitters, no conflicts (2 of 4 stars). 2 submissions from 2 submitters: Uncertain significance (2). Last evaluated 2024-11-08.

Allele frequency attached by ClinVar (database versions not stated): 1000 Genomes Project 30x 0.00016; ExAC 0.00017; TOPMed 0.00018; 1000 Genomes Project 0.00020; gnomAD exomes 0.00020 and 0.00023; ESP Exome Variant Server 0.00023; gnomAD 0.00029 and 0.00031.
gnomAD v4.1: 372 of 1,614,018 alleles (0.023%); highest among the groups gnomAD compares: Non-Finnish European, 0.029%; no homozygotes.

Submissions (2):

Blueprint Genetics
Classification: Uncertain significance. Last evaluated: 2024-11-08. Review status: criteria provided, single submitter. Criteria: ACMG Guidelines, 2015. Collection method: clinical testing. Allele origin: germline.

Labcorp Genetics (formerly Invitae), Labcorp
Classification: Uncertain significance. Last evaluated: 2022-02-22. Review status: criteria provided, single submitter. Criteria: Invitae Variant Classification Sherloc (09022015). Collection method: clinical testing. Allele origin: germline.
Comment: This sequence change replaces alanine, which is neutral and non-polar, with valine, which is neutral and non-polar, at codon 652 of the RNF216 protein (p.Ala652Val). This variant is present in population databases (rs150881855, gnomAD 0.05%). This variant has not been reported in the literature in individuals affected with RNF216-related conditions. Algorithms developed to predict the effect of missense changes on protein structure and function are either unavailable or do not agree on the potential impact of this missense change (SIFT: "Deleterious"; PolyPhen-2: "Benign"; Align-GVGD: "Class C0"). In summary, the available evidence is currently insufficient to determine the role of this variant in disease. Therefore, it has been classified as a Variant of Uncertain Significance.